The following is an entry in ClinVar:

NM_001113491.2(SEPTIN9):c.980C>T (p.Ser327Leu)

Gene: SEPTIN9 (septin 9; plus strand). Cytogenetic location: 17q25.3.
Variant type: single nucleotide variant.
Coding change: c.980C>T on transcript NM_001113491.2 (MANE Select); coding-DNA position 980, C replaced by T.
Protein change: p.Ser327Leu; replaces serine 327 with leucine.
Molecular consequence: missense variant.
Genome position (GRCh38, 1-based): chr17:77,487,490, C>T. VCF-style: chr17-77487490-C-T. GRCh37 (hg19) VCF-style: chr17-75483572-C-T.
Other names: c.926C>T (NM_006640.4); c.488C>T, p.Ser163Leu (NM_001113492.2, NM_001113494.1); c.959C>T, p.Ser320Leu (NM_001113493.2); c.227C>T, p.Ser76Leu (NM_001113495.2, NM_001113496.2, NM_001293697.2 and 1 more transcripts); c.923C>T, p.Ser308Leu (NM_001293695.2); c.308C>T, p.Ser103Leu (NM_001293696.2); c.926C>T, p.Ser309Leu (NM_006640.5); short protein forms S103L, S163L, S308L, S309L, S320L, S327L, S76L.
Identifiers: ClinVar variation 1682631 (VCV001682631.7), dbSNP rs763816708, ClinGen allele CA8793621.
Genomic context (GRCh38, chr17:77,487,490, plus strand): 5'-GCGGCTTGGGTAAATCCACCTTAATCAACACCCTCTTCAAATCCAAAATCAGCCGGAAGT[C>T]GGTGCAGCCCACCTCAGAGGAGCGCATCCCCAAGACCATCGAGATCAAGTCCATCACGCA-3'
Protein context (NP_001106963.1, residues 317-337): TLFKSKISRK[Ser327Leu]VQPTSEERIP

ClinVar aggregate classification (germline): Uncertain significance. Review status: criteria provided, multiple submitters, no conflicts (2 of 4 stars). 3 submissions from 3 submitters: Uncertain significance (3). Last evaluated 2023-10-05.

Conditions:
Inborn genetic diseases. Identifiers: MedGen C0950123, MeSH D030342.

Allele frequency attached by ClinVar (database versions not stated): gnomAD 0.00001; gnomAD exomes 0.00001 and 0.00002; TOPMed 0.00001; ExAC 0.00002.
gnomAD v4.1: 27 of 1,613,026 alleles (0.0017%); highest among the groups gnomAD compares: African/African-American, 0.004%; no homozygotes.

Submissions (3):

Ambry Genetics
Classification: Uncertain significance for Inborn genetic diseases. Last evaluated: 2023-10-05. Review status: criteria provided, single submitter. Criteria: Ambry Variant Classification Scheme 2023. Collection method: clinical testing. Allele origin: germline.

Labcorp Genetics (formerly Invitae), Labcorp
Classification: Uncertain significance. Last evaluated: 2023-06-27. Review status: criteria provided, single submitter. Criteria: Invitae Variant Classification Sherloc (09022015). Collection method: clinical testing. Allele origin: germline.
Comment: This sequence change replaces serine, which is neutral and polar, with leucine, which is neutral and non-polar, at codon 309 of the SEPT9 protein (p.Ser309Leu). This variant is present in population databases (rs763816708, gnomAD 0.003%). This variant has not been reported in the literature in individuals affected with SEPT9-related conditions. ClinVar contains an entry for this variant (Variation ID: 1682631). Advanced modeling of protein sequence and biophysical properties (such as structural, functional, and spatial information, amino acid conservation, physicochemical variation, residue mobility, and thermodynamic stability) performed at Invitae indicates that this missense variant is expected to disrupt SEPT9 protein function. In summary, the available evidence is currently insufficient to determine the role of this variant in disease. Therefore, it has been classified as a Variant of Uncertain Significance.

Blueprint Genetics
Classification: Uncertain significance. Last evaluated: 2021-04-21. Review status: criteria provided, single submitter. Criteria: ACMG Guidelines, 2015. Collection method: clinical testing. Allele origin: germline.